The following is an entry in ClinVar:

ClinVar aggregate classification (germline): Uncertain significance (1 of 4 stars; one submission).

Conditions:
Bardet-Biedl syndrome (BBS). Identifiers: Orphanet 110, MedGen C0752166, MONDO:0015229.

Submission:

Labcorp Genetics (formerly Invitae), Labcorp
Classification: Uncertain significance for Bardet-Biedl syndrome. Last evaluated: 2022-04-16. Review status: criteria provided, single submitter. Criteria: Invitae Variant Classification Sherloc (09022015). Collection method: clinical testing. Allele origin: germline.
Comment: In summary, the available evidence is currently insufficient to determine the role of this variant in disease. Therefore, it has been classified as a Variant of Uncertain Significance. Algorithms developed to predict the effect of missense changes on protein structure and function are either unavailable or do not agree on the potential impact of this missense change (SIFT: "Deleterious"; PolyPhen-2: "Benign"; Align-GVGD: "Class C0"). This variant has not been reported in the literature in individuals affected with BBS12-related conditions. This variant is not present in population databases (gnomAD no frequency). This sequence change replaces isoleucine, which is neutral and non-polar, with leucine, which is neutral and non-polar, at codon 405 of the BBS12 protein (p.Ile405Leu).

NM_152618.3(BBS12):c.1213A>C (p.Ile405Leu)

Gene: BBS12 (Bardet-Biedl syndrome 12; plus strand). Cytogenetic location: 4q27.
Variant type: single nucleotide variant.
Coding change: c.1213A>C on transcript NM_152618.3 (MANE Select); coding-DNA position 1213, A replaced by C.
Protein change: p.Ile405Leu; replaces isoleucine 405 with leucine.
Molecular consequence: missense variant.
Genome position (GRCh38, 1-based): chr4:122,743,105, A>C. VCF-style: chr4-122743105-A-C. GRCh37 (hg19) VCF-style: chr4-123664260-A-C.
Other names: c.1213A>C, p.Ile405Leu (NM_001178007.2); short protein forms I405L.
Identifiers: ClinVar variation 2126962 (VCV002126962.4), dbSNP rs2485075710, ClinGen allele CA358224639.